The following is an entry in ClinVar:

NM_000181.4(GUSB):c.812C>T (p.Ala271Val)

Gene: GUSB (glucuronidase beta; minus strand). Cytogenetic location: 7q11.21.
Variant type: single nucleotide variant.
Coding change: c.812C>T on transcript NM_000181.4 (MANE Select); coding-DNA position 812, C replaced by T.
Protein change: p.Ala271Val; replaces alanine 271 with valine.
Molecular consequence: missense variant. On other transcripts: non-coding transcript variant (1), intron variant (1).
Genome position (GRCh38, 1-based): chr7:65,976,115, G>A on the plus strand (C>T on the coding strand, the complement: GUSB is on the minus strand). VCF-style: chr7-65976115-G-A. GRCh37 (hg19) VCF-style: chr7-65441102-G-A.
Other names: c.242C>T, p.Ala81Val (NM_001293104.2); c.155C>T, p.Ala52Val (NM_001293105.2); c.475-1044C>T (NM_001284290.2); c.812C>T (NM_000181.3); short protein forms A271V, A81V, A52V.
Identifiers: ClinVar variation 2071206 (VCV002071206.2), dbSNP rs369465888, ClinGen allele CA159907560.

ClinVar aggregate classification (germline): Uncertain significance. Review status: criteria provided, multiple submitters, no conflicts (2 of 4 stars). 2 submissions from 2 submitters: Uncertain significance (2). Last evaluated 2026-02-16.

Conditions:
GUSB-related disorder. Also called: GUSB-related condition.
Mucopolysaccharidosis type 7 (MPS7). Also called: BETA-GLUCURONIDASE DEFICIENCY; GUSB DEFICIENCY; MPS VII; SLY SYNDROME. Identifiers: Orphanet 584, MedGen C0085132, MONDO:0009662, OMIM 253220.

Allele frequency attached by ClinVar (database versions not stated): ESP Exome Variant Server 0.00008.
gnomAD v4.1: 31 of 1,613,578 alleles (0.0019%); highest among the groups gnomAD compares: African/African-American, 0.0093%; no homozygotes.

Submissions (2):

PreventionGenetics, part of Exact Sciences
Classification: Uncertain significance for GUSB-related condition. Last evaluated: 2026-02-16. Review status: criteria provided, single submitter. Criteria: ACMG Guidelines, 2015. Collection method: clinical testing. Allele origin: germline.
Comment: The GUSB c.812C>T variant is predicted to result in the amino acid substitution p.Ala271Val. To our knowledge, this variant has not been reported in the literature. This variant is reported in 0.0080% of alleles in individuals of African descent in gnomAD. At this time, the clinical significance of this variant is uncertain due to the absence of conclusive functional and genetic evidence.

Labcorp Genetics (formerly Invitae), Labcorp
Classification: Uncertain significance for Mucopolysaccharidosis type 7. Last evaluated: 2022-08-22. Review status: criteria provided, single submitter. Criteria: Invitae Variant Classification Sherloc (09022015). Collection method: clinical testing. Allele origin: germline.
Comment: This sequence change replaces alanine, which is neutral and non-polar, with valine, which is neutral and non-polar, at codon 271 of the GUSB protein (p.Ala271Val). This variant is present in population databases (rs369465888, gnomAD 0.007%). This variant has not been reported in the literature in individuals affected with GUSB-related conditions. Algorithms developed to predict the effect of missense changes on protein structure and function (SIFT, PolyPhen-2, Align-GVGD) all suggest that this variant is likely to be tolerated. Algorithms developed to predict the effect of sequence changes on RNA splicing suggest that this variant may create or strengthen a splice site. In summary, the available evidence is currently insufficient to determine the role of this variant in disease. Therefore, it has been classified as a Variant of Uncertain Significance.